The following is an entry in ClinVar:

ClinVar aggregate classification (germline): Uncertain significance (1 of 4 stars; one submission).

Conditions:
Cerebral palsy. Identifiers: MedGen C0007789, MONDO:0006497, HP:0100021.

Allele frequency attached by ClinVar (database versions not stated): gnomAD exomes below 0.00001.
gnomAD v4.1: 1 of 1,613,562 alleles (0.000062%); highest among the groups gnomAD compares: Non-Finnish European, 0.000085%; no homozygotes.

Submission:

Neurogenetics Research Program, University of Adelaide
Classification: Uncertain significance for Cerebral palsy. Last evaluated: 2021-06-10. Review status: criteria provided, single submitter. Criteria: ACMG Guidelines, 2015. Collection method: research. Allele origin: unknown, paternal. Affected: yes. Observed: 2 variant alleles.

NM_001042724.2(NECTIN2):c.127C>T (p.Arg43Ter)

Gene: NECTIN2 (nectin cell adhesion molecule 2; plus strand). Cytogenetic location: 19q13.32.
Variant type: single nucleotide variant.
Coding change: c.127C>T on transcript NM_001042724.2 (MANE Select); coding-DNA position 127, C replaced by T.
Protein change: p.Arg43Ter; replaces arginine 43 with a stop codon.
Molecular consequence: nonsense.
Genome position (GRCh38, 1-based): chr19:44,865,309, C>T. VCF-style: chr19-44865309-C-T. GRCh37 (hg19) VCF-style: chr19-45368566-C-T.
Other names: c.127C>T, p.Arg43Ter (NM_002856.3); short protein forms R43*.
Identifiers: ClinVar variation 1172826 (VCV001172826.1), dbSNP rs1365743374, ClinGen allele CA406306867.